The following is an entry in ClinVar:

ClinVar aggregate classification (germline): Uncertain significance (1 of 4 stars; one submission).

Conditions:
Fanconi anemia complementation group J. Also called: BRIP1-Related Fanconi Anemia. Identifiers: Orphanet 84, MedGen C1836860, MONDO:0012187, OMIM 609054.
Familial cancer of breast. Also called: hereditary breast carcinoma; BREAST CANCER, FAMILIAL; Hereditary breast cancer. Identifiers: Orphanet 227535, MedGen C0346153, MONDO:0016419, OMIM 114480. Disease mechanism: loss of function.

Submission:

Labcorp Genetics (formerly Invitae), Labcorp
Classification: Uncertain significance for Familial cancer of breast; Fanconi anemia complementation group J. Last evaluated: 2023-12-29. Review status: criteria provided, single submitter. Criteria: Invitae Variant Classification Sherloc (09022015). Collection method: clinical testing. Allele origin: germline.
Comment: This sequence change replaces lysine, which is basic and polar, with glutamic acid, which is acidic and polar, at codon 1086 of the BRIP1 protein (p.Lys1086Glu). This variant is not present in population databases (gnomAD no frequency). This variant has not been reported in the literature in individuals affected with BRIP1-related conditions. An algorithm developed to predict the effect of missense changes on protein structure and function (PolyPhen-2) suggests that this variant is likely to be tolerated. In summary, the available evidence is currently insufficient to determine the role of this variant in disease. Therefore, it has been classified as a Variant of Uncertain Significance.

NM_032043.3(BRIP1):c.3256A>G (p.Lys1086Glu)

Gene: BRIP1 (BRCA1 interacting DNA helicase 1; minus strand). Cytogenetic location: 17q23.2.
Variant type: single nucleotide variant.
Coding change: c.3256A>G on transcript NM_032043.3 (MANE Select); coding-DNA position 3256, A replaced by G.
Protein change: p.Lys1086Glu; replaces lysine 1086 with glutamic acid.
Molecular consequence: missense variant.
Genome position (GRCh38, 1-based): chr17:61,683,790, T>C on the plus strand (A>G on the coding strand, the complement: BRIP1 is on the minus strand). VCF-style: chr17-61683790-T-C. GRCh37 (hg19) VCF-style: chr17-59761151-T-C.
Other names: short protein forms K1086E.
Identifiers: ClinVar variation 2921774 (VCV002921774.3), dbSNP rs2144082768, ClinGen allele CA400479118.
Genomic context (GRCh38, chr17:61,683,790, plus strand): 5'-ACAATTCAATGTCTGGATCCAGGGCTTCTTCAGAACAGAGCGGATGTTCAGAATGATTTT[T>C]TCTAGTAAGGGTGGCATCAATCTTTAATGATGAAATAATGGTTTCTGATTGAGGGCATGA-3'
Protein context (NP_114432.2, residues 1076-1096): SLKIDATLTR[Lys1086Glu]NHSEHPLCSE